The following is an entry in ClinVar:

NM_001164277.2(SLC37A4):c.369G>T (p.Lys123Asn)

Gene: SLC37A4 (solute carrier family 37 member 4; minus strand). Cytogenetic location: 11q23.3.
Variant type: single nucleotide variant.
Coding change: c.369G>T on transcript NM_001164277.2 (MANE Select); coding-DNA position 369, G replaced by T.
Protein change: p.Lys123Asn; replaces lysine 123 with asparagine.
Molecular consequence: missense variant.
Genome position (GRCh38, 1-based): chr11:119,028,206, C>A on the plus strand (G>T on the coding strand, the complement: SLC37A4 is on the minus strand). VCF-style: chr11-119028206-C-A. GRCh37 (hg19) VCF-style: chr11-118898916-C-A.
Other names: c.369G>T, p.Lys123Asn (NM_001164278.2, NM_001164280.2, NM_001467.6); c.150G>T, p.Lys50Asn (NM_001164279.2); short protein forms K50N, K123N.
Identifiers: ClinVar variation 1918796 (VCV001918796.4), dbSNP rs1218213940, ClinGen allele CA382904494.

ClinVar aggregate classification (germline): Uncertain significance (1 of 4 stars; one submission).

Conditions:
Glucose-6-phosphate transport defect (GSD1B). Also called: GSD Ib; Glycogen Storage Disease Type Ib. Identifiers: Orphanet 364, Orphanet 79259, MedGen C0268146, MONDO:0009288, OMIM 232220.

Submission:

Labcorp Genetics (formerly Invitae), Labcorp
Classification: Uncertain significance for Glucose-6-phosphate transport defect. Last evaluated: 2025-01-08. Review status: criteria provided, single submitter. Criteria: Invitae Variant Classification Sherloc (09022015). Collection method: clinical testing. Allele origin: germline.
Comment: This sequence change replaces lysine, which is basic and polar, with asparagine, which is neutral and polar, at codon 123 of the SLC37A4 protein (p.Lys123Asn). The frequency data for this variant in the population databases is considered unreliable, as metrics indicate poor data quality at this position in the gnomAD database. This variant has not been reported in the literature in individuals affected with SLC37A4-related conditions. ClinVar contains an entry for this variant (Variation ID: 1918796). Invitae Evidence Modeling of protein sequence and biophysical properties (such as structural, functional, and spatial information, amino acid conservation, physicochemical variation, residue mobility, and thermodynamic stability) has been performed for this missense variant. However, the output from this modeling did not meet the statistical confidence thresholds required to predict the impact of this variant on SLC37A4 protein function. In summary, the available evidence is currently insufficient to determine the role of this variant in disease. Therefore, it has been classified as a Variant of Uncertain Significance.